The following is an entry in ClinVar:

ClinVar aggregate classification (germline): Benign/Likely benign. Review status: criteria provided, multiple submitters, no conflicts (2 of 4 stars). 9 submissions from 9 submitters: Benign (3); Likely benign (4). 2 of the submissions do not count toward it. Last evaluated 2026-03-04.

Conditions:
Methylcobalamin deficiency type cblE (HMAE). Also called: HOMOCYSTINURIA-MEGALOBLASTIC ANEMIA, cblE COMPLEMENTATION TYPE; HOMOCYSTINURIA-MEGALOBLASTIC ANEMIA, cblE TYPE; VITAMIN B12-RESPONSIVE HOMOCYSTINURIA, cblE TYPE. Identifiers: Orphanet 2169, Orphanet 622, MedGen C1856057, MONDO:0009354, OMIM 236270.
MTRR-related disorder. Also called: MTRR-related condition.
Disorders of Intracellular Cobalamin Metabolism. Identifiers: MedGen CN043592.

Allele frequency attached by ClinVar (database versions not stated): gnomAD 0.00380 and 0.00414; 1000 Genomes Project 0.00140; 1000 Genomes Project 30x 0.00156; TOPMed 0.00259; ESP Exome Variant Server 0.00261; gnomAD exomes 0.00448; ExAC 0.00464.
gnomAD v4.1: 7,164 of 1,614,222 alleles (0.44%); highest among the groups gnomAD compares: Non-Finnish European, 0.48%; 24 homozygotes.

Submissions (9):

PreventionGenetics, part of Exact Sciences
Classification: Likely benign for MTRR-related condition. Last evaluated: 2026-03-04. Review status: criteria provided, single submitter. Criteria: ACMG Guidelines, 2015. Collection method: clinical testing. Allele origin: germline.
Comment: This variant is classified as likely benign based on ACMG/AMP sequence variant interpretation guidelines (Richards et al. 2015 PMID: 25741868, with internal and published modifications).

Labcorp Genetics (formerly Invitae), Labcorp
Classification: Benign for Methylcobalamin deficiency type cblE. Last evaluated: 2026-02-01. Review status: criteria provided, single submitter. Criteria: Invitae Variant Classification Sherloc (09022015). Collection method: clinical testing. Allele origin: germline.

CeGaT Center for Human Genetics Tuebingen
Classification: Likely benign. Last evaluated: 2023-12-01. Review status: criteria provided, single submitter. Criteria: CeGaT Center For Human Genetics Tuebingen Variant Classification Criteria Version 2. Collection method: clinical testing. Allele origin: germline. Affected: yes. Observed: 4 variant alleles.
Comment: MTRR: BP4, BS2

ARUP Laboratories, Molecular Genetics and Genomics, ARUP Laboratories
Classification: Benign. Last evaluated: 2023-10-06. Review status: criteria provided, single submitter. Criteria: ARUP Molecular Germline Variant Investigation Process 2024. Collection method: clinical testing. Allele origin: germline.

GeneDx
Classification: Benign. Last evaluated: 2018-07-05. Review status: criteria provided, single submitter. Criteria: GeneDx Variant Classification Process June 2021. Collection method: clinical testing. Allele origin: germline. Affected: yes.

Illumina Laboratory Services, Illumina
Classification: Likely benign for Disorders of Intracellular Cobalamin Metabolism. Last evaluated: 2018-01-12. Review status: criteria provided, single submitter. Criteria: ICSL Variant Classification Criteria 13 December 2019. Collection method: clinical testing. Allele origin: germline.
Comment: This variant was observed in the ICSL laboratory as part of a predisposition screen in an ostensibly healthy population. It had not been previously curated by ICSL or reported in the Human Gene Mutation Database (HGMD: prior to June 1st, 2018), and was therefore a candidate for classification through an automated scoring system. Utilizing variant allele frequency, disease prevalence and penetrance estimates, and inheritance mode, an automated score was calculated to assess if this variant is too frequent to cause the disease. Based on the score and internal cut-off values, a variant classified as likely benign is not then subjected to further curation. The score for this variant resulted in a classification of likely benign for this disease.

Breakthrough Genomics
Classification: Likely benign. Review status: criteria provided, single submitter. Criteria: ACMG Guidelines, 2015. Collection method: not provided. Allele origin: germline. Inheritance: Autosomal recessive inheritance. Affected: yes.

Clinical Genetics, Academic Medical Center
Classification: Likely benign. Review status: no assertion criteria provided. Collection method: clinical testing. Allele origin: germline. Affected: yes. Study: VKGL Data-share Consensus. Not counted in ClinVar's aggregate classification.

Laboratory of Diagnostic Genome Analysis, Leiden University Medical Center (LUMC)
Classification: Likely benign. Review status: no assertion criteria provided. Collection method: clinical testing. Allele origin: germline. Affected: yes. Study: VKGL Data-share Consensus. Not counted in ClinVar's aggregate classification.

NM_002454.3(MTRR):c.1468A>G (p.Thr490Ala)

Gene: MTRR (5-methyltetrahydrofolate-homocysteine methyltransferase reductase; plus strand). Cytogenetic location: 5p15.31.
Variant type: single nucleotide variant.
Coding change: c.1468A>G on transcript NM_002454.3 (MANE Select); coding-DNA position 1468, A replaced by G.
Protein change: p.Thr490Ala; replaces threonine 490 with alanine.
Molecular consequence: missense variant. On other transcripts: non-coding transcript variant (14).
Genome position (GRCh38, 1-based): chr5:7,892,824, A>G. VCF-style: chr5-7892824-A-G. GRCh37 (hg19) VCF-style: chr5-7892937-A-G.
Other names: c.1468A>G, p.Thr490Ala (NM_001364440.2, NM_001364441.2, NM_001364442.2 and 1 more transcripts); short protein forms T490A.
Identifiers: ClinVar variation 439918 (VCV000439918.59), dbSNP rs41283145, ClinGen allele CA3195958.